The following is an entry in ClinVar:

NM_001184880.2(PCDH19):c.34C>T (p.Leu12=)

Gene: PCDH19 (protocadherin 19; minus strand). Cytogenetic location: Xq22.1.
Variant type: single nucleotide variant.
Coding change: c.34C>T on transcript NM_001184880.2 (MANE Select); coding-DNA position 34, C replaced by T.
Protein change: p.Leu12=; no amino-acid change (leucine 12 retained).
Molecular consequence: synonymous variant.
Genome position (GRCh38, 1-based): chrX:100,408,564, G>A on the plus strand (C>T on the coding strand, the complement: PCDH19 is on the minus strand). VCF-style: chrX-100408564-G-A. GRCh37 (hg19) VCF-style: chrX-99663562-G-A.
Other names: c.34C>T, p.Leu12= (NM_001105243.2, NM_020766.3).
Identifiers: ClinVar variation 1591753 (VCV001591753.16), dbSNP rs769164159, ClinGen allele CA10469024.

ClinVar aggregate classification (germline): Likely benign. Review status: criteria provided, multiple submitters, no conflicts (2 of 4 stars). 3 submissions from 3 submitters: Likely benign (3). Last evaluated 2025-12-22.

Conditions:
Developmental and epileptic encephalopathy, 9 (DEE9). Also called: EPILEPSY, FEMALE-RESTRICTED, WITH MENTAL RETARDATION; JUBERG-HELLMAN SYNDROME; PCDH19-Related X-Linked Female-Limited Epilepsy with Mental Retardation; Early infantile epileptic encephalopathy 9. Identifiers: Orphanet 101039, Orphanet 2076, MedGen C1848137, MONDO:0010246, OMIM 300088. Disease mechanism: loss of function.

Allele frequency attached by ClinVar (database versions not stated): gnomAD exomes 0.00001 and 0.00002; ExAC 0.00003; gnomAD 0.00005; TOPMed 0.00008.
gnomAD v4.1: 19 of 1,172,792 alleles (0.0016%); highest among the groups gnomAD compares: Admixed American, 0.014%; no homozygotes.

Submissions (3):

Labcorp Genetics (formerly Invitae), Labcorp
Classification: Likely benign for Developmental and epileptic encephalopathy, 9. Last evaluated: 2025-12-22. Review status: criteria provided, single submitter. Criteria: Invitae Variant Classification Sherloc (09022015). Collection method: clinical testing. Allele origin: germline.

CeGaT Center for Human Genetics Tuebingen
Classification: Likely benign. Last evaluated: 2025-09-01. Review status: criteria provided, single submitter. Criteria: CeGaT Center For Human Genetics Tuebingen Variant Classification Criteria Version 2. Collection method: clinical testing. Allele origin: germline. Affected: yes. Observed: 1 variant allele.
Comment: PCDH19: BP4, BP7, BS2

Blueprint Genetics
Classification: Likely benign. Last evaluated: 2022-11-17. Review status: criteria provided, single submitter. Criteria: ACMG Guidelines, 2015. Collection method: clinical testing. Allele origin: germline.